The following is an entry in ClinVar:

ClinVar aggregate classification (germline): Uncertain significance. Review status: criteria provided, multiple submitters, no conflicts (2 of 4 stars). 2 submissions from 2 submitters: Uncertain significance (2). Last evaluated 2025-07-30.

Conditions:
Hereditary cancer-predisposing syndrome. Also called: Hereditary neoplastic syndrome; Neoplastic Syndromes, Hereditary; Tumor predisposition; Hereditary Cancer Syndrome. Identifiers: Orphanet 140162, MedGen C0027672, MeSH D009386, MONDO:0015356.

Allele frequency attached by ClinVar (database versions not stated): gnomAD exomes below 0.00001 and 0.00001.
gnomAD v4.1: 12 of 1,614,150 alleles (0.00074%); highest among the groups gnomAD compares: South Asian, 0.0011%; no homozygotes.

Submissions (2):

Labcorp Genetics (formerly Invitae), Labcorp
Classification: Uncertain significance. Last evaluated: 2025-07-30. Review status: criteria provided, single submitter. Criteria: Invitae Variant Classification Sherloc (09022015). Collection method: clinical testing. Allele origin: germline.
Comment: This sequence change replaces aspartic acid, which is acidic and polar, with asparagine, which is neutral and polar, at codon 613 of the CTNNA1 protein (p.Asp613Asn). This variant is not present in population databases (gnomAD no frequency). This variant has not been reported in the literature in individuals affected with CTNNA1-related conditions. ClinVar contains an entry for this variant (Variation ID: 942098). Invitae Evidence Modeling of protein sequence and biophysical properties (such as structural, functional, and spatial information, amino acid conservation, physicochemical variation, residue mobility, and thermodynamic stability) indicates that this missense variant is not expected to disrupt CTNNA1 protein function with a negative predictive value of 80%. In summary, the available evidence is currently insufficient to determine the role of this variant in disease. Therefore, it has been classified as a Variant of Uncertain Significance.

Ambry Genetics
Classification: Uncertain significance for Hereditary cancer-predisposing syndrome. Last evaluated: 2025-07-15. Review status: criteria provided, single submitter. Criteria: Ambry Variant Classification Scheme 2023. Collection method: clinical testing. Allele origin: germline.
Comment: The p.D613N variant (also known as c.1837G>A), located in coding exon 12 of the CTNNA1 gene, results from a G to A substitution at nucleotide position 1837. The aspartic acid at codon 613 is replaced by asparagine, an amino acid with highly similar properties. In one study, this alteration was identified in 1/151,425 individuals who underwent multi-gene germline genetic testing and classified as a variant of uncertain significance by the authors (Clark DF et al. Genet Med, 2020 May;22:840-846). This amino acid position is highly conserved in available vertebrate species. In addition, this alteration is predicted to be tolerated by in silico analysis. Based on the available evidence, the clinical significance of this variant remains unclear.

Literature cited by the submitters: PubMed 32051609 (cited by Ambry Genetics).

NM_001903.5(CTNNA1):c.1837G>A (p.Asp613Asn)

Gene: CTNNA1 (catenin alpha 1; plus strand). Cytogenetic location: 5q31.2.
Variant type: single nucleotide variant.
Coding change: c.1837G>A on transcript NM_001903.5 (MANE Select); coding-DNA position 1837, G replaced by A.
Protein change: p.Asp613Asn; replaces aspartic acid 613 with asparagine.
Molecular consequence: missense variant.
Genome position (GRCh38, 1-based): chr5:138,925,345, G>A. VCF-style: chr5-138925345-G-A. GRCh37 (hg19) VCF-style: chr5-138261034-G-A.
Other names: c.1837G>A, p.Asp613Asn (NM_001290307.3, NM_001323982.2, NM_001323983.1 and 2 more transcripts); c.1528G>A, p.Asp510Asn (NM_001290309.3); c.1468G>A, p.Asp490Asn (NM_001290310.3); c.727G>A, p.Asp243Asn (NM_001290312.1, NM_001323987.1, NM_001323988.1 and 17 more transcripts); c.1744G>A, p.Asp582Asn (NM_001323986.2); c.388G>A, p.Asp130Asn (NM_001324006.1, NM_001324007.1, NM_001324008.1 and 2 more transcripts); c.634G>A, p.Asp212Asn (NM_001324011.1); c.484G>A, p.Asp162Asn (NM_001324012.1, NM_001324013.1); and 1 more; short protein forms D490N, D510N, D130N, D212N, D162N, D243N, D582N, D613N.
Identifiers: ClinVar variation 942098 (VCV000942098.12), dbSNP rs1561758576, ClinGen allele CA361132316.